The following is an entry in ClinVar:

NM_005982.4(SIX1):c.*1079T>A

Gene: SIX1 (SIX homeobox 1; minus strand). Cytogenetic location: 14q23.1.
Variant type: single nucleotide variant.
Coding change: c.*1079T>A on transcript NM_005982.4 (MANE Select); 1079 bases downstream of the stop codon, T replaced by A.
Molecular consequence: 3 prime UTR variant.
Genome position (GRCh38, 1-based): chr14:60,645,204, A>T on the plus strand (T>A on the coding strand, the complement: SIX1 is on the minus strand). VCF-style: chr14-60645204-A-T. GRCh37 (hg19) VCF-style: chr14-61111922-A-T.
Identifiers: ClinVar variation 313444 (VCV000313444.5), dbSNP rs559116477, ClinGen allele CA10645506.
Genomic context (GRCh38, chr14:60,645,204, plus strand): 5'-TGGCCTTCAAAGTACCCTGCAATTCACAGCCACCATTAAGTAAGAAAGAAAAATATATTT[A>T]AAAAAAAAAATAGGGCCCAATGACAGCAATACACCACTCACCTTTCAGAAACAGAATCAT-3'

ClinVar aggregate classification (germline): Benign/Likely benign. Review status: criteria provided, single submitter (1 of 4 stars). 2 submissions from 1 submitter: Benign (1); Likely benign (1). Last evaluated 2018-01-13.

Conditions:
Branchiootic syndrome 3 (BOS3). Also called: BO SYNDROME 3. Identifiers: MedGen C1842124, MONDO:0012025, OMIM 608389.
Autosomal dominant nonsyndromic hearing loss 23. Identifiers: Orphanet 90635, MedGen C1854594, MONDO:0011519, OMIM 605192.

Allele frequency attached by ClinVar (database versions not stated): gnomAD 0.00024 and 0.00037; TOPMed 0.00025; 1000 Genomes Project 0.00080.

Submissions (2):

Illumina Laboratory Services, Illumina
Classification: Benign for Branchiootic syndrome 3. Last evaluated: 2018-01-13. Review status: criteria provided, single submitter. Criteria: ICSL Variant Classification Criteria 13 December 2019. Collection method: clinical testing. Allele origin: germline.
Comment: This variant was observed in the ICSL laboratory as part of a predisposition screen in an ostensibly healthy population. It had not been previously curated by ICSL or reported in the Human Gene Mutation Database (HGMD: prior to June 1st, 2018), and was therefore a candidate for classification through an automated scoring system. Utilizing variant allele frequency, disease prevalence and penetrance estimates, and inheritance mode, an automated score was calculated to assess if this variant is too frequent to cause the disease. Based on the score and internal cut-off values, a variant classified as benign is not then subjected to further curation. The score for this variant resulted in a classification of benign for this disease.

Illumina Laboratory Services, Illumina
Classification: Likely benign for Autosomal dominant nonsyndromic hearing loss 23. Last evaluated: 2018-01-13. Review status: criteria provided, single submitter. Criteria: ICSL Variant Classification Criteria 13 December 2019. Collection method: clinical testing. Allele origin: germline.
Comment: This variant was observed in the ICSL laboratory as part of a predisposition screen in an ostensibly healthy population. It had not been previously curated by ICSL or reported in the Human Gene Mutation Database (HGMD: prior to June 1st, 2018), and was therefore a candidate for classification through an automated scoring system. Utilizing variant allele frequency, disease prevalence and penetrance estimates, and inheritance mode, an automated score was calculated to assess if this variant is too frequent to cause the disease. Based on the score and internal cut-off values, a variant classified as likely benign is not then subjected to further curation. The score for this variant resulted in a classification of likely benign for this disease.